The following is an entry in ClinVar:

ClinVar aggregate classification (germline): Uncertain significance (1 of 4 stars; one submission).

Allele frequency attached by ClinVar (database versions not stated): gnomAD 0.00001; gnomAD exomes 0.00001.
gnomAD v4.1: 15 of 1,613,174 alleles (0.00093%); highest among the groups gnomAD compares: African/African-American, 0.0013%; no homozygotes.

Submission:

Labcorp Genetics (formerly Invitae), Labcorp
Classification: Uncertain significance. Last evaluated: 2022-06-26. Review status: criteria provided, single submitter. Criteria: Invitae Variant Classification Sherloc (09022015). Collection method: clinical testing. Allele origin: germline.
Comment: In summary, the available evidence is currently insufficient to determine the role of this variant in disease. Therefore, it has been classified as a Variant of Uncertain Significance. Algorithms developed to predict the effect of missense changes on protein structure and function are either unavailable or do not agree on the potential impact of this missense change (SIFT: "Not Available"; PolyPhen-2: "Benign"; Align-GVGD: "Not Available"). This variant has not been reported in the literature in individuals affected with UNC45A-related conditions. This variant is present in population databases (no rsID available, gnomAD 0.002%). This sequence change replaces aspartic acid, which is acidic and polar, with glutamic acid, which is acidic and polar, at codon 484 of the UNC45A protein (p.Asp484Glu).

NM_018671.5(UNC45A):c.1452C>A (p.Asp484Glu)

Gene: UNC45A (unc-45 myosin chaperone A; plus strand). Cytogenetic location: 15q26.1.
Variant type: single nucleotide variant.
Coding change: c.1452C>A on transcript NM_018671.5 (MANE Select); coding-DNA position 1452, C replaced by A.
Protein change: p.Asp484Glu; replaces aspartic acid 484 with glutamic acid.
Molecular consequence: missense variant.
Genome position (GRCh38, 1-based): chr15:90,946,866, C>A. VCF-style: chr15-90946866-C-A. GRCh37 (hg19) VCF-style: chr15-91490096-C-A.
Other names: c.1407C>A, p.Asp469Glu (NM_001039675.2, NM_001323621.2); c.1452C>A, p.Asp484Glu (NM_001323619.1); c.1017C>A, p.Asp339Glu (NM_001323620.2); short protein forms D469E, D484E, D339E.
Identifiers: ClinVar variation 1924698 (VCV001924698.5), dbSNP rs1168043555, ClinGen allele CA393857003.